The following is an entry in ClinVar:

ClinVar aggregate classification (germline): Benign/Likely benign. Review status: criteria provided, multiple submitters, no conflicts (2 of 4 stars). 3 submissions from 3 submitters: Benign (1); Likely benign (2). Last evaluated 2026-04-17.

Conditions:
DICER1-related tumor predisposition. Also called: DICER1-related pleuropulmonary blastoma cancer predisposition syndrome; DICER1 syndrome. Identifiers: Orphanet 284343, MedGen C3839822, MONDO:0100216.
Hereditary cancer-predisposing syndrome. Also called: Hereditary Cancer Syndrome; Neoplastic Syndromes, Hereditary; Hereditary neoplastic syndrome; Tumor predisposition. Identifiers: Orphanet 140162, MedGen C0027672, MeSH D009386, MONDO:0015356.

Submissions (3):

Myriad Genetics, Inc.
Classification: Benign for DICER1-related tumor predisposition. Last evaluated: 2026-04-17. Review status: criteria provided, single submitter. Criteria: Myriad Autosomal Dominant, Autosomal Recessive and X-Linked Classification Criteria (2023). Collection method: clinical testing. Allele origin: unknown.
Comment: This variant is considered benign. This variant is a silent/synonymous amino acid change and it is not expected to impact splicing.

Ambry Genetics
Classification: Likely benign for Hereditary cancer-predisposing syndrome. Last evaluated: 2025-09-07. Review status: criteria provided, single submitter. Criteria: Ambry Variant Classification Scheme 2023. Collection method: clinical testing. Allele origin: germline.

Labcorp Genetics (formerly Invitae), Labcorp
Classification: Likely benign for DICER1-related tumor predisposition. Last evaluated: 2016-09-27. Review status: criteria provided, single submitter. Criteria: Invitae Variant Classification Sherloc (09022015). Collection method: clinical testing. Allele origin: germline.

NM_177438.3(DICER1):c.3861A>G (p.Ser1287=)

Gene: DICER1 (dicer 1, ribonuclease III; minus strand). Cytogenetic location: 14q32.13.
Variant type: single nucleotide variant.
Coding change: c.3861A>G on transcript NM_177438.3 (MANE Select); coding-DNA position 3861, A replaced by G.
Protein change: p.Ser1287=; no amino-acid change (serine 1287 retained).
Molecular consequence: synonymous variant.
Genome position (GRCh38, 1-based): chr14:95,103,535, T>C on the plus strand (A>G on the coding strand, the complement: DICER1 is on the minus strand). VCF-style: chr14-95103535-T-C. GRCh37 (hg19) VCF-style: chr14-95569872-T-C.
Other names: c.3861A>G, p.Ser1287= (NM_001195573.1, NM_001271282.3, NM_001291628.2 and 1 more transcripts).
Identifiers: ClinVar variation 417079 (VCV000417079.12), dbSNP rs1060504970, ClinGen allele CA16614637.